The following is an entry in ClinVar:

ClinVar aggregate classification (germline): Uncertain significance. Review status: criteria provided, multiple submitters, no conflicts (2 of 4 stars). 3 submissions from 3 submitters: Uncertain significance (3). Last evaluated 2025-10-26.

Conditions:
Melnick-Needles syndrome (MNS). Also called: Melnick-Needles Syndrome (FLNA-MNS); MELNICK-NEEDLES OSTEODYSPLASTY; OSTEODYSPLASTY OF MELNICK AND NEEDLES. Identifiers: Orphanet 2484, MedGen C0025237, MONDO:0010650, OMIM 309350.
Heterotopia, periventricular, X-linked dominant (PVNH1). Also called: X-linked periventricular heterotopia; PERIVENTRICULAR NODULAR HETEROTOPIA 4; HETEROTOPIA, PERIVENTRICULAR, 1; PERIVENTRICULAR NODULAR HETEROTOPIA 1. Identifiers: Orphanet 2149, Orphanet 82004, MedGen C1848213, MONDO:0010233, OMIM 300049.
Frontometaphyseal dysplasia (FMD1). Identifiers: Orphanet 1826, MedGen C0265293, MONDO:0015942.
Oto-palato-digital syndrome, type II (OPD2). Also called: Otopalatodigital Syndrome, Type II; Otopalatodigital Syndrome Type 2 (FLNA-OPD2); FACIOPALATOOSSEOUS SYNDROME; OPD II SYNDROME. Identifiers: Orphanet 669, Orphanet 90652, MedGen C1844696, MONDO:0010571, OMIM 304120.

Allele frequency attached by ClinVar (database versions not stated): gnomAD exomes below 0.00001.
gnomAD v4.1: 2 of 1,211,179 alleles (0.00017%); highest among the groups gnomAD compares: Non-Finnish European, 0.00022%; no homozygotes.

Submissions (3):

Labcorp Genetics (formerly Invitae), Labcorp
Classification: Uncertain significance for Oto-palato-digital syndrome, type II; Heterotopia, periventricular, X-linked dominant; Frontometaphyseal dysplasia; Melnick-Needles syndrome. Last evaluated: 2025-10-26. Review status: criteria provided, single submitter. Criteria: Invitae Variant Classification Sherloc (09022015). Collection method: clinical testing. Allele origin: germline.
Comment: This sequence change replaces glycine, which is neutral and non-polar, with serine, which is neutral and polar, at codon 1457 of the FLNA protein (p.Gly1457Ser). This variant is not present in population databases (gnomAD no frequency). This variant has not been reported in the literature in individuals affected with FLNA-related conditions. ClinVar contains an entry for this variant (Variation ID: 452477). Invitae Evidence Modeling of protein sequence and biophysical properties (such as structural, functional, and spatial information, amino acid conservation, physicochemical variation, residue mobility, and thermodynamic stability) has been performed for this missense variant. However, the output from this modeling did not meet the statistical confidence thresholds required to predict the impact of this variant on FLNA protein function. In summary, the available evidence is currently insufficient to determine the role of this variant in disease. Therefore, it has been classified as a Variant of Uncertain Significance.

GeneDx
Classification: Uncertain significance. Last evaluated: 2021-05-15. Review status: criteria provided, single submitter. Criteria: GeneDx Variant Classification Process June 2021. Collection method: clinical testing. Allele origin: germline. Affected: yes.
Comment: Not observed in large population cohorts (Lek et al., 2016); In silico analysis supports that this missense variant has a deleterious effect on protein structure/function; Has not been previously published as pathogenic or benign to our knowledge

Blueprint Genetics
Classification: Uncertain significance. Last evaluated: 2020-02-28. Review status: criteria provided, single submitter. Criteria: ACMG Guidelines, 2015. Collection method: clinical testing. Allele origin: germline.

NM_001110556.2(FLNA):c.4369G>A (p.Gly1457Ser)

Gene: FLNA (filamin A; minus strand). Cytogenetic location: Xq28.
Variant type: single nucleotide variant.
Coding change: c.4369G>A on transcript NM_001110556.2 (MANE Select); coding-DNA position 4369, G replaced by A.
Protein change: p.Gly1457Ser; replaces glycine 1457 with serine.
Molecular consequence: missense variant.
Genome position (GRCh38, 1-based): chrX:154,359,089, C>T on the plus strand (G>A on the coding strand, the complement: FLNA is on the minus strand). VCF-style: chrX-154359089-C-T. GRCh37 (hg19) VCF-style: chrX-153587457-C-T.
Other names: c.4369G>A, p.Gly1457Ser (NM_001456.4); short protein forms G1457S.
Identifiers: ClinVar variation 452477 (VCV000452477.11), dbSNP rs374447840, ClinGen allele CA337279301.
Genomic context (GRCh38, chrX:154,359,089, plus strand): 5'-TGCTTGTGTCCACCTGGAAGGACTGAGGGAGGTTGGCACGAACCATGCCTGGGCTCAGGC[C>T]GGGCCCAGAGCACTTGACCTTGGACGCATCTGTCACATCATGCACAGGGACCTTGAAAGG-3'
Protein context (NP_001104026.1, residues 1447-1467): DASKVKCSGP[Gly1457Ser]LSPGMVRANL